The following is an entry in ClinVar:

ClinVar aggregate classification (germline): Benign/Likely benign. Review status: criteria provided, multiple submitters, no conflicts (2 of 4 stars). 2 submissions from 2 submitters: Benign (1); Likely benign (1). Last evaluated 2026-08-17.

Conditions:
DICER1-related tumor predisposition. Also called: DICER1-related pleuropulmonary blastoma cancer predisposition syndrome; DICER1 syndrome. Identifiers: Orphanet 284343, MedGen C3839822, MONDO:0100216.

Submissions (2):

Myriad Genetics, Inc.
Classification: Likely benign for DICER1-related tumor predisposition. Last evaluated: 2026-08-17. Review status: criteria provided, single submitter. Criteria: Myriad Autosomal Dominant, Autosomal Recessive and X-Linked Classification Criteria (2023). Collection method: clinical testing. Allele origin: unknown.
Comment: This variant is considered likely benign. This variant is intronic and is not expected to impact mRNA splicing.

Labcorp Genetics (formerly Invitae), Labcorp
Classification: Benign for DICER1-related tumor predisposition. Last evaluated: 2025-02-25. Review status: criteria provided, single submitter. Criteria: Invitae Variant Classification Sherloc (09022015). Collection method: clinical testing. Allele origin: germline.

NM_177438.3(DICER1):c.2805-10del

Gene: DICER1 (dicer 1, ribonuclease III; minus strand). Cytogenetic location: 14q32.13.
Variant type: Deletion.
Coding change: c.2805-10del on transcript NM_177438.3 (MANE Select); 10 bases into the intron before coding-DNA position 2805, one base deleted (T; older notation c.2805-10delT).
Molecular consequence: intron variant.
Genome position (GRCh38, 1-based): chr14:95,106,233, A deleted on the plus strand (T on the coding strand, the reverse complement: DICER1 is on the minus strand); the first of 5 consecutive A bases (chr14:95,106,233-95,106,237); deleting any one gives the same sequence. VCF-style (leftmost placement, unchanged base first): chr14-95106232-GA-G. GRCh37 (hg19) VCF-style: chr14-95572569-GA-G.
Other names: c.2805-10del (NM_001291628.2, NM_030621.4, NM_001271282.3 and 1 more transcripts).
Identifiers: ClinVar variation 1532091 (VCV001532091.10), dbSNP rs1041473975, ClinGen allele CA265907898.